The following is an entry in ClinVar:

ClinVar aggregate classification (germline): Uncertain significance (1 of 4 stars; one submission).

Submission:

GeneDx
Classification: Uncertain significance. Last evaluated: 2022-09-12. Review status: criteria provided, single submitter. Criteria: GeneDx Variant Classification Process June 2021. Collection method: clinical testing. Allele origin: germline. Affected: yes.
Comment: Not observed at significant frequency in large population cohorts (gnomAD); In silico analysis supports that this missense variant has a deleterious effect on protein structure/function; Has not been previously published as pathogenic or benign to our knowledge

NM_001003694.2(BRPF1):c.1079T>C (p.Val360Ala)

Gene: BRPF1 (bromodomain and PHD finger containing 1; plus strand). Cytogenetic location: 3p25.3.
Variant type: single nucleotide variant.
Coding change: c.1079T>C on transcript NM_001003694.2 (MANE Select); coding-DNA position 1079, T replaced by C.
Protein change: p.Val360Ala; replaces valine 360 with alanine.
Molecular consequence: missense variant. On other transcripts: non-coding transcript variant (1).
Genome position (GRCh38, 1-based): chr3:9,739,478, T>C. VCF-style: chr3-9739478-T-C. GRCh37 (hg19) VCF-style: chr3-9781162-T-C.
Other names: c.1079T>C, p.Val360Ala (NM_001319049.2, NM_001319050.2, NM_001410704.1 and 1 more transcripts); short protein forms V360A.
Identifiers: ClinVar variation 2443666 (VCV002443666.1), dbSNP rs2471471807, ClinGen allele CA351686604.